The following is an entry in ClinVar:

NM_001110556.2(FLNA):c.6724C>T (p.Arg2242Ter)

Gene: FLNA (filamin A; minus strand). Cytogenetic location: Xq28.
Variant type: single nucleotide variant.
Coding change: c.6724C>T on transcript NM_001110556.2 (MANE Select); coding-DNA position 6724, C replaced by T.
Protein change: p.Arg2242Ter; replaces arginine 2242 with a stop codon.
Molecular consequence: nonsense.
Genome position (GRCh38, 1-based): chrX:154,352,226, G>A on the plus strand (C>T on the coding strand, the complement: FLNA is on the minus strand). VCF-style: chrX-154352226-G-A. GRCh37 (hg19) VCF-style: chrX-153580594-G-A.
Other names: c.6700C>T, p.Arg2234Ter (NM_001456.4); short protein forms R2242*, R2234*.
Identifiers: ClinVar variation 405446 (VCV000405446.14), dbSNP rs1060500717, ClinGen allele CA16616627.

ClinVar aggregate classification (germline): Pathogenic. Review status: criteria provided, multiple submitters, no conflicts (2 of 4 stars). 3 submissions from 3 submitters: Pathogenic (3). Last evaluated 2025-07-21.

Conditions:
Heterotopia, periventricular, X-linked dominant (PVNH1). Also called: PERIVENTRICULAR NODULAR HETEROTOPIA 4; HETEROTOPIA, PERIVENTRICULAR, 1; PERIVENTRICULAR NODULAR HETEROTOPIA 1; X-linked periventricular heterotopia. Identifiers: Orphanet 2149, Orphanet 82004, MedGen C1848213, MONDO:0010233, OMIM 300049.
Oto-palato-digital syndrome, type II (OPD2). Also called: Otopalatodigital Syndrome, Type II; Otopalatodigital Syndrome Type 2 (FLNA-OPD2); FACIOPALATOOSSEOUS SYNDROME; OPD II SYNDROME. Identifiers: Orphanet 669, Orphanet 90652, MedGen C1844696, MONDO:0010571, OMIM 304120.
Frontometaphyseal dysplasia (FMD1). Identifiers: Orphanet 1826, MedGen C0265293, MONDO:0015942.
Melnick-Needles syndrome (MNS). Also called: Melnick-Needles Syndrome (FLNA-MNS); MELNICK-NEEDLES OSTEODYSPLASTY; OSTEODYSPLASTY OF MELNICK AND NEEDLES. Identifiers: Orphanet 2484, MedGen C0025237, MONDO:0010650, OMIM 309350.

Submissions (3):

Labcorp Genetics (formerly Invitae), Labcorp
Classification: Pathogenic for Oto-palato-digital syndrome, type II; Heterotopia, periventricular, X-linked dominant; Frontometaphyseal dysplasia; Melnick-Needles syndrome. Last evaluated: 2025-07-21. Review status: criteria provided, single submitter. Criteria: Invitae Variant Classification Sherloc (09022015). Collection method: clinical testing. Allele origin: germline.
Comment: This sequence change creates a premature translational stop signal (p.Arg2234*) in the FLNA gene. It is expected to result in an absent or disrupted protein product. Loss-of-function variants in FLNA are known to be pathogenic (PMID: 16684786, 20730588, 26471271). This variant is not present in population databases (gnomAD no frequency). This premature translational stop signal has been observed in individual(s) with periventricular heterotopia (PMID: 16684786). This variant is also known as c.6724C>T p.Arg2242X. ClinVar contains an entry for this variant (Variation ID: 405446). For these reasons, this variant has been classified as Pathogenic.

GeneDx
Classification: Pathogenic. Last evaluated: 2025-04-15. Review status: criteria provided, single submitter. Criteria: GeneDx Variant Classification Process June 2021. Collection method: clinical testing. Allele origin: germline. Affected: yes.
Comment: Nonsense variant predicted to result in protein truncation or nonsense mediated decay in a gene for which loss of function is a known mechanism of disease; Not observed at significant frequency in large population cohorts (gnomAD); Also known as R2242X; This variant is associated with the following publications: (PMID: 25525159, 31589614, 16684786)

Eurofins Ntd Llc (ga)
Classification: Pathogenic. Last evaluated: 2017-08-24. Review status: criteria provided, single submitter. Criteria: EGL Classification Definitions 2015. Collection method: clinical testing. Allele origin: germline. Observed: 2 variant alleles, 2 heterozygotes.

Literature cited by the submitters: PubMed 16684786 (cited by Labcorp Genetics (formerly Invitae), Labcorp); PubMed 20730588 (cited by Labcorp Genetics (formerly Invitae), Labcorp); PubMed 26471271 (cited by Labcorp Genetics (formerly Invitae), Labcorp).